The following is an entry in ClinVar:

NM_000538.4(RFXAP):c.120_125dup (p.Ala41_Ser42dup)

Genes: RFXAP (regulatory factor X associated protein; plus strand), LOC130009573 (ATAC-STARR-seq lymphoblastoid silent region 5267; plus strand). Cytogenetic location: 13q13.3.
Variant type: Duplication.
Coding change: c.120_125dup on transcript NM_000538.4 (MANE Select); coding-DNA positions 120 to 125, 6 bases duplicated (GGCCTC; older notation c.120_125dupGGCCTC).
Protein change: p.Ala41_Ser42dup.
Molecular consequence: inframe insertion.
Genome position (GRCh38, 1-based): chr13:36,819,477-36,819,482, GGCCTC duplicated; duplicating any 6 consecutive bases within chr13:36,819,476-36,819,482 gives the same sequence; the c. name uses the placement nearest the transcript's 3' end. VCF-style (leftmost placement, unchanged base first): chr13-36819475-G-GCGGCCT. GRCh37 (hg19) VCF-style: chr13-37393612-G-GCGGCCT.
Other names: c.120_125dupGGCCTC (NM_000538.3).
Identifiers: ClinVar variation 538587 (VCV000538587.14), dbSNP rs763202512, ClinGen allele CA6950171.

ClinVar aggregate classification (germline): Conflicting classifications of pathogenicity. Review status: criteria provided, conflicting classifications (1 of 4 stars). 2 submissions from 2 submitters: Uncertain significance (1); Likely benign (1). Last evaluated 2026-02-01.

Conditions:
MHC class II deficiency. Also called: Bare lymphocyte syndrome 2; BLS, TYPE II. Identifiers: Orphanet 572, MedGen C5447452, MONDO:0008855.

Submissions (2):

Labcorp Genetics (formerly Invitae), Labcorp
Classification: Likely benign for MHC class II deficiency. Last evaluated: 2026-02-01. Review status: criteria provided, single submitter. Criteria: Invitae Variant Classification Sherloc (09022015). Collection method: clinical testing. Allele origin: germline.

Blueprint Genetics
Classification: Uncertain significance. Last evaluated: 2024-11-22. Review status: criteria provided, single submitter. Criteria: ACMG Guidelines, 2015. Collection method: clinical testing. Allele origin: germline.